The following is an entry in ClinVar:

ClinVar aggregate classification (germline): Uncertain significance (1 of 4 stars; one submission).

Submission:

CeGaT Center for Human Genetics Tuebingen
Classification: Uncertain significance. Last evaluated: 2024-09-01. Review status: criteria provided, single submitter. Criteria: CeGaT Center For Human Genetics Tuebingen Variant Classification Criteria Version 2. Collection method: clinical testing. Allele origin: germline. Affected: yes. Observed: 1 variant allele.
Comment: ADAR: PM2

NM_001111.5(ADAR):c.3637A>G (p.Ser1213Gly)

Gene: ADAR (adenosine deaminase RNA specific; minus strand). Cytogenetic location: 1q21.3.
Variant type: single nucleotide variant.
Coding change: c.3637A>G on transcript NM_001111.5 (MANE Select); coding-DNA position 3637, A replaced by G.
Protein change: p.Ser1213Gly; replaces serine 1213 with glycine.
Molecular consequence: missense variant.
Genome position (GRCh38, 1-based): chr1:154,584,850, T>C on the plus strand (A>G on the coding strand, the complement: ADAR is on the minus strand). VCF-style: chr1-154584850-T-C. GRCh37 (hg19) VCF-style: chr1-154557326-T-C.
Other names: c.2752A>G, p.Ser918Gly (NM_001025107.3, NM_001193495.2, NM_001365046.1 and 2 more transcripts); c.3664A>G, p.Ser1222Gly (NM_001365045.1); c.2674A>G, p.Ser892Gly (NM_001365049.1); c.3559A>G, p.Ser1187Gly (NM_015840.4); c.3502A>G, p.Ser1168Gly (NM_015841.4); short protein forms S1168G, S1187G, S1213G, S1222G, S892G, S918G.
Identifiers: ClinVar variation 3389602 (VCV003389602.14).
Genomic context (GRCh38, chr1:154,584,850, plus strand): 5'-CTGTCACTGGAGCATACTATACTGGGCAGAGATAAAAGTTCTTTTCCTCCTGGGGTTTGC[T>C]AATCCAGTTCCCATAGCCCATATCCTTCAGGCCTTTTTTGAAGTAGTTCTTGGCCGTCTC-3'
Protein context (NP_001102.3, residues 1203-1223): LKDMGYGNWI[Ser1213Gly]KPQEEKNFYL